The following is an entry in ClinVar:

NM_000405.5(GM2A):c.98G>A (p.Ser33Asn)

Gene: GM2A (ganglioside GM2 activator; plus strand). Cytogenetic location: 5q33.1.
Variant type: single nucleotide variant.
Coding change: c.98G>A on transcript NM_000405.5 (MANE Select); coding-DNA position 98, G replaced by A.
Protein change: p.Ser33Asn; replaces serine 33 with asparagine.
Molecular consequence: missense variant.
Genome position (GRCh38, 1-based): chr5:151,259,771, G>A. VCF-style: chr5-151259771-G-A. GRCh37 (hg19) VCF-style: chr5-150639332-G-A.
Other names: c.98G>A, p.Ser33Asn (NM_001167607.3); short protein forms S33N.
Identifiers: ClinVar variation 2149426 (VCV002149426.1), dbSNP rs1427927893, ClinGen allele CA361805751.

ClinVar aggregate classification (germline): Uncertain significance (1 of 4 stars; one submission).

Conditions:
Tay-Sachs disease, variant AB. Also called: Gm2-gangliosidosis, ab variant; GM2 Activator Deficiency. Identifiers: Orphanet 309246, MedGen C0268275, MONDO:0010099, OMIM 272750.

Submission:

Labcorp Genetics (formerly Invitae), Labcorp
Classification: Uncertain significance for Tay-Sachs disease, variant AB. Last evaluated: 2022-07-30. Review status: criteria provided, single submitter. Criteria: Invitae Variant Classification Sherloc (09022015). Collection method: clinical testing. Allele origin: germline.
Comment: This sequence change replaces serine, which is neutral and polar, with asparagine, which is neutral and polar, at codon 33 of the GM2A protein (p.Ser33Asn). This variant is not present in population databases (gnomAD no frequency). This variant has not been reported in the literature in individuals affected with GM2A-related conditions. Algorithms developed to predict the effect of missense changes on protein structure and function (SIFT, PolyPhen-2, Align-GVGD) all suggest that this variant is likely to be tolerated. In summary, the available evidence is currently insufficient to determine the role of this variant in disease. Therefore, it has been classified as a Variant of Uncertain Significance.